The following is an entry in ClinVar:

NM_198576.4(AGRN):c.1118C>T (p.Ser373Leu)

Gene: AGRN (agrin; plus strand). Cytogenetic location: 1p36.33.
Variant type: single nucleotide variant.
Coding change: c.1118C>T on transcript NM_198576.4 (MANE Select); coding-DNA position 1118, C replaced by T.
Protein change: p.Ser373Leu; replaces serine 373 with leucine.
Molecular consequence: missense variant.
Genome position (GRCh38, 1-based): chr1:1,041,643, C>T. VCF-style: chr1-1041643-C-T. GRCh37 (hg19) VCF-style: chr1-977023-C-T.
Other names: c.1118C>T, p.Ser373Leu (NM_001305275.2); c.803C>T, p.Ser268Leu (NM_001364727.2); short protein forms S268L, S373L.
Identifiers: ClinVar variation 1473775 (VCV001473775.5), dbSNP rs747332721, ClinGen allele CA508012.
Genomic context (GRCh38, chr1:1,041,643, plus strand): 5'-AGGCGCCAGTGTGTGGGGACGACGGAGTCACCTACGAAAACGACTGTGTCATGGGCCGAT[C>T]GGGGGCCGCCCGGGGTCTCCTCCTGCAGAAAGTGCGCTCCGGCCAGTGCCAGGGTCGAGG-3'
Protein context (NP_940978.2, residues 363-383): TYENDCVMGR[Ser373Leu]GAARGLLLQK

ClinVar aggregate classification (germline): Uncertain significance (1 of 4 stars; one submission).

Conditions:
Congenital myasthenic syndrome 8. Also called: Myasthenic syndrome, congenital, 8, with pre- and postsynaptic defects; MYASTHENIC SYNDROME, CONGENITAL, DUE TO AGRIN DEFICIENCY. Identifiers: Orphanet 590, MedGen C3808739, MONDO:0014052, OMIM 615120.

Allele frequency attached by ClinVar (database versions not stated): ExAC 0.00002; gnomAD exomes 0.00003; gnomAD 0.00003; TOPMed 0.00004.
gnomAD v4.1: 51 of 1,611,080 alleles (0.0032%); highest among the groups gnomAD compares: African/African-American, 0.004%; no homozygotes.

Submission:

Labcorp Genetics (formerly Invitae), Labcorp
Classification: Uncertain significance for Congenital myasthenic syndrome 8. Last evaluated: 2022-07-17. Review status: criteria provided, single submitter. Criteria: Invitae Variant Classification Sherloc (09022015). Collection method: clinical testing. Allele origin: germline.
Comment: This sequence change replaces serine, which is neutral and polar, with leucine, which is neutral and non-polar, at codon 373 of the AGRN protein (p.Ser373Leu). This variant is present in population databases (rs747332721, gnomAD 0.02%). This variant has not been reported in the literature in individuals affected with AGRN-related conditions. ClinVar contains an entry for this variant (Variation ID: 1473775). Algorithms developed to predict the effect of missense changes on protein structure and function are either unavailable or do not agree on the potential impact of this missense change (SIFT: "Tolerated"; PolyPhen-2: "Possibly Damaging"; Align-GVGD: "Class C0"). In summary, the available evidence is currently insufficient to determine the role of this variant in disease. Therefore, it has been classified as a Variant of Uncertain Significance.